The following is an entry in ClinVar:

ClinVar aggregate classification (germline): Benign/Likely benign. Review status: criteria provided, multiple submitters, no conflicts (2 of 4 stars). 3 submissions from 3 submitters: Benign (1); Likely benign (2). Last evaluated 2024-09-26.

Conditions:
Familial melanoma. Also called: Hereditary melanoma; Hereditary cutaneous melanoma. Identifiers: Orphanet 618, MedGen C1512419, MONDO:0018961.
Hereditary cancer-predisposing syndrome. Also called: Neoplastic Syndromes, Hereditary; Hereditary Cancer Syndrome; Hereditary neoplastic syndrome; Tumor predisposition. Identifiers: Orphanet 140162, MedGen C0027672, MeSH D009386, MONDO:0015356.
Melanoma, cutaneous malignant, susceptibility to, 3. Also called: Cutaneous malignant melanoma 3. Identifiers: Orphanet 618, MedGen C1836892, MONDO:0012183, OMIM 609048.

gnomAD v4.1: 1 of 1,614,052 alleles (0.000062%); highest among the groups gnomAD compares: Non-Finnish European, 0.000085%; no homozygotes.

Submissions (3):

Myriad Genetics, Inc.
Classification: Benign for Melanoma, cutaneous malignant, susceptibility to, 3. Last evaluated: 2024-09-26. Review status: criteria provided, single submitter. Criteria: Myriad Autosomal Dominant, Autosomal Recessive and X-Linked Classification Criteria (2023). Collection method: clinical testing. Allele origin: unknown.
Comment: This variant is considered benign. This variant is a silent/synonymous amino acid change and it is not expected to impact splicing.

Ambry Genetics
Classification: Likely benign for Hereditary cancer-predisposing syndrome. Last evaluated: 2023-06-11. Review status: criteria provided, single submitter. Criteria: Ambry Variant Classification Scheme 2023. Collection method: clinical testing. Allele origin: germline.

Labcorp Genetics (formerly Invitae), Labcorp
Classification: Likely benign for Familial melanoma. Last evaluated: 2022-03-21. Review status: criteria provided, single submitter. Criteria: Invitae Variant Classification Sherloc (09022015). Collection method: clinical testing. Allele origin: germline.

NM_000075.4(CDK4):c.753C>T (p.Pro251=)

Genes: TSPAN31 (tetraspanin 31; plus strand), CDK4 (cyclin dependent kinase 4; minus strand). Cytogenetic location: 12q14.1.
Variant type: single nucleotide variant.
Coding change: c.753C>T on transcript NM_000075.4 (MANE Select); coding-DNA position 753, C replaced by T.
Protein change: p.Pro251=; no amino-acid change (proline 251 retained).
Molecular consequence: synonymous variant. On other transcripts: 3 prime UTR variant (3).
Genome position (GRCh38, 1-based): chr12:57,749,248, G>A on the plus strand (C>T on the coding strand, the complement: CDK4 is on the minus strand). VCF-style: chr12-57749248-G-A. GRCh37 (hg19) VCF-style: chr12-58143031-G-A.
Other names: c.*1958G>A (NM_001330168.2, NM_001330169.2, NM_005981.5).
Identifiers: ClinVar variation 1420222 (VCV001420222.10), dbSNP rs757333818, ClinGen allele CA480300102.